The following is an entry in ClinVar:

NM_001368894.2(PAX6):c.1086del (p.Ser363fs)

Gene: PAX6 (paired box 6; minus strand). Cytogenetic location: 11p13.
Variant type: Deletion.
Coding change: c.1086del on transcript NM_001368894.2 (MANE Select); coding-DNA position 1086, one base deleted (C; older notation c.1086delC).
Protein change: p.Ser363fs; shifts the reading frame from serine 363.
Molecular consequence: frameshift variant. On other transcripts: non-coding transcript variant (1), intron variant (9).
Genome position (GRCh38, 1-based): chr11:31,790,849, G deleted on the plus strand (C on the coding strand, the reverse complement: PAX6 is on the minus strand); the first of 4 consecutive G bases (chr11:31,790,849-31,790,852); deleting any one gives the same sequence. VCF-style (leftmost placement, unchanged base first): chr11-31790848-TG-T. GRCh37 (hg19) VCF-style: chr11-31812396-TG-T.
Other names: c.1044del, p.Ser349fs (NM_000280.6, NM_001127612.3, NM_001258464.2 and 6 more transcripts); c.1086del, p.Ser363fs (NM_001258462.3, NM_001258463.2, NM_001310158.2 and 3 more transcripts); c.636del, p.Ser213fs (NM_001310160.2, NM_001310161.3, NM_001368899.2 and 10 more transcripts); c.1287del, p.Ser430fs (NM_001368910.2); c.1161del, p.Ser388fs (NM_001368918.2, NM_001368919.2); c.1119del, p.Ser374fs (NM_001368920.2); c.885del, p.Ser296fs (NM_001368922.2, NM_001368923.2, NM_001368924.2 and 3 more transcripts); c.843del, p.Ser282fs (NM_001368928.2); and 6 more; short protein forms S148fs, S296fs, S213fs, S282fs, S349fs, S363fs, S374fs, S388fs.
Identifiers: ClinVar variation 1390086 (VCV001390086.3), dbSNP rs1592369895, ClinGen allele CA2573146282.
Genomic context (GRCh38, chr11:31,790,848, plus strand): 5'-AACTCCGCCCATTCACCGAAGGGCTGGTGGGCAGCATGCAGGAGTATGAGGAGGTCTGGC[TG>T]GGGACTGGGGGCTGTGAGGAGAGAGGCAAACCTGTGGTTACTGAGGAACACATCACACAG-3'

ClinVar aggregate classification (germline): Pathogenic (1 of 4 stars; one submission).

Conditions:
Aniridia 1 (AN1). Identifiers: Orphanet 250923, MedGen C0344542, MONDO:0024507, OMIM 106210.
Irido-corneo-trabecular dysgenesis (ASGD5). Also called: ANTERIOR SEGMENT DYSGENESIS 5. Identifiers: Orphanet 708, MedGen C0344559, MONDO:0011414, OMIM 604229, HP:0000659.

Submission:

Labcorp Genetics (formerly Invitae), Labcorp
Classification: Pathogenic for Aniridia 1; Irido-corneo-trabecular dysgenesis. Last evaluated: 2025-09-09. Review status: criteria provided, single submitter. Criteria: Invitae Variant Classification Sherloc (09022015). Collection method: clinical testing. Allele origin: germline.
Comment: This sequence change creates a premature translational stop signal (p.Ser349Alafs*16) in the PAX6 gene. It is expected to result in an absent or disrupted protein product. Loss-of-function variants in PAX6 are known to be pathogenic (PMID: 12634864). This variant is not present in population databases (gnomAD no frequency). This variant has not been reported in the literature in individuals affected with PAX6-related conditions. ClinVar contains an entry for this variant (Variation ID: 1390086). For these reasons, this variant has been classified as Pathogenic.

Literature cited by the submitters: PubMed 12634864.